The following is an entry in ClinVar:

NM_052947.4(ALPK2):c.1625T>A (p.Met542Lys)

Gene: ALPK2 (alpha kinase 2; minus strand). Cytogenetic location: 18q21.31.
Variant type: single nucleotide variant.
Coding change: c.1625T>A on transcript NM_052947.4 (MANE Select); coding-DNA position 1625, T replaced by A.
Protein change: p.Met542Lys; replaces methionine 542 with lysine.
Molecular consequence: missense variant.
Genome position (GRCh38, 1-based): chr18:58,579,151, A>T on the plus strand (T>A on the coding strand, the complement: ALPK2 is on the minus strand). VCF-style: chr18-58579151-A-T. GRCh37 (hg19) VCF-style: chr18-56246383-A-T.
Other names: short protein forms M542K.
Identifiers: ClinVar variation 2561781 (VCV002561781.2), dbSNP rs2518898758, ClinGen allele CA402561467.

ClinVar aggregate classification (germline): Uncertain significance (1 of 4 stars; one submission).

Submission:

Ambry Genetics
Classification: Uncertain significance. Last evaluated: 2023-06-01. Review status: criteria provided, single submitter. Criteria: Ambry Variant Classification Scheme 2023. Collection method: clinical testing. Allele origin: germline.
Comment: The p.M542K variant (also known as c.1625T>A), located in coding exon 3 of the ALPK2 gene, results from a T to A substitution at nucleotide position 1625. The methionine at codon 542 is replaced by lysine, an amino acid with similar properties. This amino acid position is conserved. In addition, this alteration is predicted to be tolerated by in silico analysis. Since supporting evidence is limited at this time, the clinical significance of this alteration remains unclear.